The following is an entry in ClinVar:

NM_001353694.2(TIAM1):c.4425dup (p.Gly1476fs)

Gene: TIAM1 (TIAM Rac1 associated GEF 1; minus strand). Cytogenetic location: 21q22.11.
Variant type: Duplication.
Coding change: c.4425dup on transcript NM_001353694.2 (MANE Select); coding-DNA position 4425, one base duplicated (C; older notation c.4425dupC).
Protein change: p.Gly1476fs; shifts the reading frame from glycine 1476.
Molecular consequence: frameshift variant.
Genome position (GRCh38, 1-based): chr21:31,120,719, G duplicated on the plus strand (C on the coding strand, the reverse complement: TIAM1 is on the minus strand); the first of 6 consecutive G bases (chr21:31,120,719-31,120,724); duplicating any one gives the same sequence. VCF-style (leftmost placement, unchanged base first): chr21-31120718-C-CG. GRCh37 (hg19) VCF-style: chr21-32493036-C-CG.
Other names: c.1524dup, p.Gly509fs (NM_001353684.2); c.1449dup, p.Gly484fs (NM_001353685.2); c.4350dup, p.Gly1451fs (NM_001353686.2, NM_001353687.2); c.4425dup, p.Gly1476fs (NM_001353688.1, NM_001353689.1, NM_001353690.1 and 4 more transcripts); short protein forms G1451fs, G1476fs, G484fs, G509fs.
Identifiers: ClinVar variation 2632927 (VCV002632927.1), dbSNP rs757091901, ClinGen allele CA9997475.
Genomic context (GRCh38, chr21:31,120,718, plus strand): 5'-GCTCCTCATACTGAGCAAGATCAAACTGCTCCTCTACCCATCGGTCAGTGTCCCCACCAC[C>CG]GGGGGGCTGCTGGGACTCTTTCTCCGGGCTGCTTGCGGAGACGGCATCAGAATCAATGGT-3'

ClinVar aggregate classification (germline): Uncertain significance (1 of 4 stars; one submission).

Conditions:
TIAM1-related disorder. Also called: TIAM1-related condition.

Submission:

PreventionGenetics, part of Exact Sciences
Classification: Uncertain significance for TIAM1-related condition. Last evaluated: 2023-05-10. Review status: criteria provided, single submitter. Criteria: ACMG Guidelines, 2015. Collection method: clinical testing. Allele origin: germline.
Comment: The TIAM1 c.4425dupC variant is predicted to result in a frameshift and premature protein termination (p.Gly1476Argfs*6). To our knowledge, this variant has not been reported in the literature or in a large population database, indicating this variant is rare. Loss-of-function has not been established as a disease mechanism for this gene, and therefore the clinical significance of this variant is currently uncertain due to the absence of conclusive functional and genetic evidence.